The following is an entry in ClinVar:

NM_000043.6(FAS):c.*1084C>T

Gene: FAS (Fas cell surface death receptor; plus strand). Cytogenetic location: 10q23.31.
Variant type: single nucleotide variant.
Coding change: c.*1084C>T on transcript NM_000043.6 (MANE Select); 1084 bases downstream of the stop codon, C replaced by T.
Molecular consequence: 3 prime UTR variant. On other transcripts: non-coding transcript variant (7).
Genome position (GRCh38, 1-based): chr10:89,015,534, C>T. VCF-style: chr10-89015534-C-T. GRCh37 (hg19) VCF-style: chr10-90775291-C-T.
Other names: c.*1415C>T (NM_001320619.2); c.*1084C>T (NM_152871.4); c.*1404C>T (NM_152872.4).
Identifiers: ClinVar variation 301544 (VCV000301544.6), dbSNP rs1468063, ClinGen allele CA5593292.

ClinVar aggregate classification (germline): Benign. Review status: criteria provided, multiple submitters, no conflicts (2 of 4 stars). 2 submissions from 2 submitters: Benign (2). Last evaluated 2018-01-12.

Conditions:
Autoimmune lymphoproliferative syndrome type 1. Also called: AUTOIMMUNE LYMPHOPROLIFERATIVE SYNDROME, TYPE I, AUTOSOMAL DOMINANT. Identifiers: Orphanet 3261, MedGen C2717884, MONDO:0011158, OMIM 601859.

Allele frequency attached by ClinVar (database versions not stated): ExAC 0.16385; gnomAD 0.16936 and 0.16498; TOPMed 0.16839; 1000 Genomes Project 30x 0.23985; gnomAD exomes 0.14900 and 0.16911; 1000 Genomes Project 0.24321.
gnomAD v4.1: 82,498 of 533,818 alleles (15%); highest among the groups gnomAD compares: East Asian, 45%; 8,367 homozygotes.

Submissions (2):

Illumina Laboratory Services, Illumina
Classification: Benign for Autoimmune lymphoproliferative syndrome type 1. Last evaluated: 2018-01-12. Review status: criteria provided, single submitter. Criteria: ICSL Variant Classification Criteria 13 December 2019. Collection method: clinical testing. Allele origin: germline.
Comment: This variant was observed in the ICSL laboratory as part of a predisposition screen in an ostensibly healthy population. It had not been previously curated by ICSL or reported in the Human Gene Mutation Database (HGMD: prior to June 1st, 2018), and was therefore a candidate for classification through an automated scoring system. Utilizing variant allele frequency, disease prevalence and penetrance estimates, and inheritance mode, an automated score was calculated to assess if this variant is too frequent to cause the disease. Based on the score and internal cut-off values, a variant classified as benign is not then subjected to further curation. The score for this variant resulted in a classification of benign for this disease.

Breakthrough Genomics
Classification: Benign. Review status: criteria provided, single submitter. Criteria: ACMG Guidelines, 2015. Collection method: not provided. Allele origin: germline. Inheritance: Autosomal dominant inheritance. Affected: yes.